The following is an entry in ClinVar:

ClinVar aggregate classification (germline): Uncertain significance (1 of 4 stars; one submission).

Conditions:
Familial adenomatous polyposis 1 (FAP1). Also called: FAMILIAL ADENOMATOUS POLYPOSIS 1, ATTENUATED; POLYPOSIS, ADENOMATOUS INTESTINAL. Identifiers: MedGen C2713442, MONDO:0021056, OMIM 175100. Disease mechanism: loss of function.

Submission:

Labcorp Genetics (formerly Invitae), Labcorp
Classification: Uncertain significance for Familial adenomatous polyposis 1. Last evaluated: 2026-01-25. Review status: criteria provided, single submitter. Criteria: Invitae Variant Classification Sherloc (09022015). Collection method: clinical testing. Allele origin: germline.
Comment: This variant occurs in a non-coding region of the APC gene. It does not change the encoded amino acid sequence of the APC protein. Information on the frequency of this variant in the gnomAD database is not available, as this variant may be reported differently in the database. This variant has not been reported in the literature in individuals affected with APC-related conditions. Experimental studies and prediction algorithms are not available or were not evaluated, and the functional significance of this variant is currently unknown. In summary, the available evidence is currently insufficient to determine the role of this variant in disease. Therefore, it has been classified as a Variant of Uncertain Significance.

NC_000005.10:g.112707375_112707376delinsGC

Gene: APC (APC regulator of Wnt signaling pathway; plus strand). Cytogenetic location: 5q22.2.
Variant type: Indel.
Genome position: GRCh38 VCF-style: chr5-112707375-AT-GC. GRCh37 (hg19) VCF-style: chr5-112043072-AT-GC.
Identifiers: ClinVar variation 1035644 (VCV001035644.8), dbSNP rs1750553249, ClinGen allele CA1573442221.